The following is an entry in ClinVar:

ClinVar aggregate classification (germline): Conflicting classifications of pathogenicity. Review status: criteria provided, conflicting classifications (1 of 4 stars). 6 submissions from 5 submitters: Uncertain significance (5); Likely benign (1). Last evaluated 2025-10-30.

Conditions:
Hereditary cancer-predisposing syndrome. Also called: Hereditary Cancer Syndrome; Neoplastic Syndromes, Hereditary; Hereditary neoplastic syndrome; Tumor predisposition. Identifiers: Orphanet 140162, MedGen C0027672, MeSH D009386, MONDO:0015356.
Holoprosencephaly 7 (HPE7). Identifiers: Orphanet 2162, MedGen C1835820, MONDO:0012562, OMIM 610828.
Gorlin syndrome. Also called: Nevoid Basal Cell Carcinoma Syndrome; Basal cell nevus syndrome. Identifiers: Orphanet 377, MedGen C0004779, MONDO:0007187.

Allele frequency attached by ClinVar (database versions not stated): gnomAD exomes below 0.00001 and 0.00001; TOPMed below 0.00001; ExAC 0.00001; gnomAD 0.00001; ESP Exome Variant Server 0.00008.
gnomAD v4.1: 16 of 1,613,854 alleles (0.00099%); highest among the groups gnomAD compares: South Asian, 0.0022%; no homozygotes.

Submissions (6):

Mayo Clinic Laboratories, Mayo Clinic
Classification: Uncertain significance. Last evaluated: 2025-10-30. Review status: criteria provided, single submitter. Criteria: ACMG Guidelines, 2015. Collection method: clinical testing. Allele origin: germline. Observed: 1 variant allele.
Comment: PP3_moderate

Labcorp Genetics (formerly Invitae), Labcorp
Classification: Likely benign for Gorlin syndrome. Last evaluated: 2025-09-07. Review status: criteria provided, single submitter. Criteria: Invitae Variant Classification Sherloc (09022015). Collection method: clinical testing. Allele origin: germline.

GeneDx
Classification: Uncertain significance. Last evaluated: 2024-07-30. Review status: criteria provided, single submitter. Criteria: GeneDx Variant Classification Process June 2021. Collection method: clinical testing. Allele origin: germline. Affected: yes.
Comment: Not observed at significant frequency in large population cohorts (gnomAD); In silico analysis supports that this missense variant has a deleterious effect on protein structure/function; Has not been previously published as pathogenic or benign to our knowledge; This variant is associated with the following publications: (PMID: 24368541, 11369205, 22675565)

Ambry Genetics
Classification: Uncertain significance for Hereditary cancer-predisposing syndrome. Last evaluated: 2023-12-08. Review status: criteria provided, single submitter. Criteria: Ambry Variant Classification Scheme 2023. Collection method: clinical testing. Allele origin: germline.
Comment: The p.R571Q variant (also known as c.1712G>A), located in coding exon 12 of the PTCH1 gene, results from a G to A substitution at nucleotide position 1712. The arginine at codon 571 is replaced by glutamine, an amino acid with highly similar properties. This amino acid position is highly conserved in available vertebrate species. In addition, this alteration is predicted to be deleterious by in silico analysis. Since supporting evidence is limited at this time, the clinical significance of this alteration remains unclear.

Illumina Laboratory Services, Illumina
Classification: Uncertain significance for Holoprosencephaly 7. Last evaluated: 2017-09-07. Review status: criteria provided, single submitter. Criteria: ICSL Variant Classification Criteria 13 December 2019. Collection method: clinical testing. Allele origin: germline.

Illumina Laboratory Services, Illumina
Classification: Uncertain significance for Basal cell nevus syndrome 1. Last evaluated: 2017-09-07. Review status: criteria provided, single submitter. Criteria: ICSL Variant Classification Criteria 13 December 2019. Collection method: clinical testing. Allele origin: germline.
Comment: This variant was observed as part of a predisposition screen in an ostensibly healthy population. A literature search was performed for the gene, cDNA change, and amino acid change (where applicable). Publications were found based on this search. However, the evidence from the literature, in combination with allele frequency data from public databases where available, was not sufficient to rule this variant in or out of causing disease. Therefore, this variant is classified as a variant of unknown significance.

Literature cited by the submitters: PubMed 22675565 (cited by Illumina Laboratory Services, Illumina); PubMed 24368541 (cited by Illumina Laboratory Services, Illumina).

NM_000264.5(PTCH1):c.1712G>A (p.Arg571Gln)

Gene: PTCH1 (patched 1; minus strand). Cytogenetic location: 9q22.32.
Variant type: single nucleotide variant.
Coding change: c.1712G>A on transcript NM_000264.5 (MANE Select); coding-DNA position 1712, G replaced by A.
Protein change: p.Arg571Gln; replaces arginine 571 with glutamine.
Molecular consequence: missense variant. On other transcripts: non-coding transcript variant (1).
Genome position (GRCh38, 1-based): chr9:95,476,050, C>T on the plus strand (G>A on the coding strand, the complement: PTCH1 is on the minus strand). VCF-style: chr9-95476050-C-T. GRCh37 (hg19) VCF-style: chr9-98238332-C-T.
Other names: p.Arg571Gln; c.1514G>A, p.Arg505Gln (NM_001083602.3); c.1709G>A, p.Arg570Gln (NM_001083603.3); c.1259G>A, p.Arg420Gln (NM_001083604.3, NM_001083605.3, NM_001083606.3 and 1 more transcripts); c.1556G>A, p.Arg519Gln (NM_001354918.2); short protein forms R420Q, R505Q, R519Q, R570Q, R571Q.
Identifiers: ClinVar variation 819886 (VCV000819886.17), dbSNP rs377566861, ClinGen allele CA5138574.
Genomic context (GRCh38, chr9:95,476,050, plus strand): 5'-TGCCCCGTTCAGGATCACCACAGCCTTCATCACCAGAAGCTCACCTGGAGGGAGAACGCC[C>T]GCAGAGCGGGAATTGGGATTAACGCGGCCATGAAGAAGGCTGTGACATTGCTGATGGACG-3'
Protein context (NP_000255.2, residues 561-581): MAALIPIPAL[Arg571Gln]AFSLQAAVVV